The following is an entry in ClinVar:

NM_000278.5(PAX2):c.274_288del (p.Thr92_Val96del)

Gene: PAX2 (paired box 2; plus strand). Cytogenetic location: 10q24.31.
Variant type: Deletion.
Coding change: c.274_288del on transcript NM_000278.5 (MANE Select); coding-DNA positions 274 to 288, 15 bases deleted (ACGCCCAAAGTGGTG).
Protein change: p.Thr92_Val96del.
Genome position (GRCh38, 1-based): chr10:100,750,755-100,750,769, ACGCCCAAAGTGGTG deleted; deleting any 15 consecutive bases within chr10:100,750,754-100,750,769 gives the same sequence; the c. name uses the placement nearest the transcript's 3' end. VCF-style (leftmost placement, unchanged base first): chr10-100750753-CGACGCCCAAAGTGGT-C. GRCh37 (hg19) VCF-style: chr10-102510510-CGACGCCCAAAGTGGT-C.
Other names: c.367_381del, p.Thr123_Val127del (NM_001304569.2); c.274_288del, p.Thr92_Val96del (NM_003987.5, NM_003988.5, NM_003989.5 and 1 more transcripts).
Identifiers: ClinVar variation 3364987 (VCV003364987.3).
Genomic context (GRCh38, chr10:100,750,753, plus strand): 5'-GGTACTACGAGACCGGCAGCATCAAGCCGGGTGTGATCGGTGGCTCCAAGCCCAAAGTGG[CGACGCCCAAAGTGGT>C]GGACAAGATTGCTGAATACAAACGACAGAACCCGACTATGTTCGCCTGGGAGATTCGAGA-3'

ClinVar aggregate classification (germline): Uncertain significance. Review status: criteria provided, multiple submitters, no conflicts (2 of 4 stars). 2 submissions from 2 submitters: Uncertain significance (2). Last evaluated 2024-11-06.

Conditions:
Focal segmental glomerulosclerosis 7 (FSGS7). Identifiers: Orphanet 656, MedGen C4014925, MONDO:0014451, OMIM 616002.
Renal coloboma syndrome (PAPRS). Also called: OPTIC COLOBOMA, VESICOURETERAL REFLUX, AND RENAL ANOMALIES; OPTIC NERVE COLOBOMA WITH RENAL DISEASE; CONGENITAL ANOMALIES OF THE KIDNEY AND URINARY TRACT WITH OR WITHOUT OCULAR ABNORMALITIES; CAKUT WITH OR WITHOUT OCULAR ABNORMALITIES; RENAL-COLOBOMA SYNDROME WITH MACULAR ABNORMALITIES; PAPILLORENAL SYNDROME. Identifiers: Orphanet 1475, MedGen C1852759, MONDO:0007352, OMIM 120330.

Submissions (2):

Labcorp Genetics (formerly Invitae), Labcorp
Classification: Uncertain significance for Renal coloboma syndrome; Focal segmental glomerulosclerosis 7. Last evaluated: 2024-11-06. Review status: criteria provided, single submitter. Criteria: Invitae Variant Classification Sherloc (09022015). Collection method: clinical testing. Allele origin: germline.
Comment: This variant, c.274_288del, results in the deletion of 5 amino acid(s) of the PAX2 protein (p.Thr92_Val96del), but otherwise preserves the integrity of the reading frame. This variant is not present in population databases (gnomAD no frequency). This variant has not been reported in the literature in individuals affected with PAX2-related conditions. Experimental studies and prediction algorithms are not available or were not evaluated, and the functional significance of this variant is currently unknown. In summary, the available evidence is currently insufficient to determine the role of this variant in disease. Therefore, it has been classified as a Variant of Uncertain Significance.

GeneDx
Classification: Uncertain significance. Last evaluated: 2023-12-08. Review status: criteria provided, single submitter. Criteria: GeneDx Variant Classification Process June 2021. Collection method: clinical testing. Allele origin: germline. Affected: yes.
Comment: Not observed at significant frequency in large population cohorts (gnomAD); In-frame deletion of 5 amino acids in a non-repeat region; In silico analysis supports a deleterious effect on protein structure/function; Has not been previously published as pathogenic or benign to our knowledge